The following is an entry in ClinVar:

ClinVar aggregate classification (germline): Likely pathogenic (1 of 4 stars; one submission).

Conditions:
Leukoencephalopathy, progressive, infantile-onset, with or without deafness. Identifiers: MedGen C5542996, MONDO:0030893, OMIM 619147.

Submission:

Medical Genetics, Spectrum Health
Classification: Likely pathogenic for Leukoencephalopathy, progressive, infantile-onset, with or without deafness. Last evaluated: 2023-08-01. Review status: criteria provided, single submitter. Criteria: ACMG Guidelines, 2015. Collection method: clinical testing. Allele origin: germline. Affected: yes.
Comment: Criteria applied: PP1, PM2, PP3, PP4.

NM_005548.3(KARS1):c.1328T>C (p.Leu443Pro)

Gene: KARS1 (lysyl-tRNA synthetase 1; minus strand). Cytogenetic location: 16q23.1.
Variant type: single nucleotide variant.
Coding change: c.1328T>C on transcript NM_005548.3 (MANE Select); coding-DNA position 1328, T replaced by C.
Protein change: p.Leu443Pro; replaces leucine 443 with proline.
Molecular consequence: missense variant.
Genome position (GRCh38, 1-based): chr16:75,631,178, A>G on the plus strand (T>C on the coding strand, the complement: KARS1 is on the minus strand). VCF-style: chr16-75631178-A-G. GRCh37 (hg19) VCF-style: chr16-75665076-A-G.
Other names: c.1412T>C, p.Leu471Pro (NM_001130089.2); c.860T>C, p.Leu287Pro (NM_001378148.1); short protein forms L287P, L443P, L471P.
Identifiers: ClinVar variation 2576965 (VCV002576965.2), dbSNP rs2507556167, ClinGen allele CA396811409.